The following is an entry in ClinVar:

NM_001127208.3(TET2):c.5284A>T (p.Ile1762Leu)

Genes: TET2 (tet methylcytosine dioxygenase 2; plus strand), TET2-AS1 (TET2 antisense RNA 1; minus strand). Cytogenetic location: 4q24.
Variant type: single nucleotide variant.
Coding change: c.5284A>T on transcript NM_001127208.3 (MANE Select); coding-DNA position 5284, A replaced by T.
Protein change: p.Ile1762Leu; replaces isoleucine 1762 with leucine.
Molecular consequence: missense variant.
Genome position (GRCh38, 1-based): chr4:105,275,794, A>T. VCF-style: chr4-105275794-A-T. GRCh37 (hg19) VCF-style: chr4-106196951-A-T.
Other names: short protein forms I1762L.
Identifiers: ClinVar variation 135288 (VCV000135288.5), dbSNP rs2454206, ClinGen allele CA162231.
Genomic context (GRCh38, chr4:105,275,794, plus strand): 5'-CCCAATCTGAGCAATCCAAACATGGACTATAAAAATGGTGAACATCATTCACCTTCTCAC[A>T]TAATCCATAACTACAGTGCAGCTCCGGGCATGTTCAACAGCTCTCTTCATGCCCTGCATC-3'
Protein context (NP_001120680.1, residues 1752-1772): KNGEHHSPSH[Ile1762Leu]IHNYSAAPGM

ClinVar aggregate classification (germline): Uncertain significance. Review status: criteria provided, multiple submitters, no conflicts (2 of 4 stars). 3 submissions from 3 submitters: Uncertain significance (2). 1 of the submissions does not count toward it. Last evaluated 2026-06-01.

gnomAD v4.1: 8 of 1,551,426 alleles (0.00052%); highest among the groups gnomAD compares: Admixed American, 0.016%; no homozygotes.

Submissions (3):

CeGaT Center for Human Genetics Tuebingen
Classification: Uncertain significance. Last evaluated: 2026-06-01. Review status: criteria provided, single submitter. Criteria: CeGaT Center For Human Genetics Tuebingen Variant Classification Criteria Version 2. Collection method: clinical testing. Allele origin: germline. Affected: yes. Observed: 1 variant allele.
Comment: TET2: PM2, BP4

Labcorp Genetics (formerly Invitae), Labcorp
Classification: Uncertain significance. Last evaluated: 2024-12-16. Review status: criteria provided, single submitter. Criteria: Invitae Variant Classification Sherloc (09022015). Collection method: clinical testing. Allele origin: germline.
Comment: This sequence change replaces isoleucine, which is neutral and non-polar, with leucine, which is neutral and non-polar, at codon 1762 of the TET2 protein (p.Ile1762Leu). This variant is present in population databases (rs2454206, gnomAD 0.004%). This variant has not been reported in the literature in individuals affected with TET2-related conditions. ClinVar contains an entry for this variant (Variation ID: 135288). An algorithm developed to predict the effect of missense changes on protein structure and function outputs the following: PolyPhen-2: "Benign". The leucine amino acid residue is found in multiple mammalian species, which suggests that this missense change does not adversely affect protein function. In summary, the available evidence is currently insufficient to determine the role of this variant in disease. Therefore, it has been classified as a Variant of Uncertain Significance.

ITMI
No classification provided. Condition: AllHighlyPenetrant. Last evaluated: 2013-09-19. Review status: no classification provided. Collection method: reference population. Allele origin: germline. Not counted in ClinVar's aggregate classification.
Comment: Please see associated publication for description of ethnicities

Literature cited by the submitters: PubMed 24728327 (cited by ITMI).